The following is an entry in ClinVar:

NM_004285.4(H6PD):c.1454del (p.Phe485fs)

Gene: H6PD (hexose-6-phosphate dehydrogenase/glucose 1-dehydrogenase; plus strand). Cytogenetic location: 1p36.22.
Variant type: Deletion.
Coding change: c.1454del on transcript NM_004285.4 (MANE Select); coding-DNA position 1454, one base deleted (T; older notation c.1454delT).
Protein change: p.Phe485fs; shifts the reading frame from phenylalanine 485.
Molecular consequence: frameshift variant.
Genome position (GRCh38, 1-based): chr1:9,263,947, T deleted; the last of 2 consecutive T bases (chr1:9,263,946-9,263,947); deleting either gives the same sequence. VCF-style (leftmost placement, unchanged base first): chr1-9263945-CT-C. GRCh37 (hg19) VCF-style: chr1-9324004-CT-C.
Other names: c.1487del, p.Phe496fs (NM_001282587.2); short protein forms F485fs, F496fs.
Identifiers: ClinVar variation 1449738 (VCV001449738.6), dbSNP rs1638442651, ClinGen allele CA998432188.
Genomic context (GRCh38, chr1:9,263,945, plus strand): 5'-TATCTTCCATGGCCGGAAGAATTTCTTCATCACCACAGAGAACTTGCTGGCCTCCTGGAA[CT>C]TCTGGACCCCTCTGCTGGAGAGCCTGGCCCATAAGGCCCCACGCCTCTACCCTGGAGGAG-3'

ClinVar aggregate classification (germline): Uncertain significance (1 of 4 stars; one submission).

Submission:

Labcorp Genetics (formerly Invitae), Labcorp
Classification: Uncertain significance. Last evaluated: 2022-07-06. Review status: criteria provided, single submitter. Criteria: Invitae Variant Classification Sherloc (09022015). Collection method: clinical testing. Allele origin: germline.
Comment: In summary, the available evidence is currently insufficient to determine the role of this variant in disease. Therefore, it has been classified as a Variant of Uncertain Significance. Experimental studies and prediction algorithms are not available or were not evaluated, and the functional significance of this variant is currently unknown. ClinVar contains an entry for this variant (Variation ID: 1449738). This variant has not been reported in the literature in individuals affected with H6PD-related conditions. This variant is not present in population databases (gnomAD no frequency). This sequence change creates a premature translational stop signal (p.Phe485Serfs*79) in the H6PD gene. While this is not anticipated to result in nonsense mediated decay, it is expected to disrupt the last 307 amino acid(s) of the H6PD protein.